The following is an entry in ClinVar:

ClinVar aggregate classification (germline): Conflicting classifications of pathogenicity. Review status: criteria provided, conflicting classifications (1 of 4 stars). 4 submissions from 4 submitters: Uncertain significance (1); Likely benign (3). Last evaluated 2026-01-22.

Conditions:
Inborn genetic diseases. Identifiers: MedGen C0950123, MeSH D030342.
TRRAP-related disorder. Also called: TRRAP-related condition.

Allele frequency attached by ClinVar (database versions not stated): TOPMed 0.00003; gnomAD 0.00005; ESP Exome Variant Server 0.00015.
gnomAD v4.1: 99 of 1,613,668 alleles (0.0061%); highest among the groups gnomAD compares: Admixed American, 0.0083%; no homozygotes.

Submissions (4):

PreventionGenetics, part of Exact Sciences
Classification: Uncertain significance for TRRAP-related condition. Last evaluated: 2026-01-22. Review status: criteria provided, single submitter. Criteria: ACMG Guidelines, 2015. Collection method: clinical testing. Allele origin: germline.
Comment: The TRRAP c.7450G>A variant is predicted to result in the amino acid substitution p.Val2484Met. To our knowledge, this variant has not been reported in the literature. This variant is reported in 0.012% of alleles in individuals of African descent in gnomAD. Although we suspect that this variant may be benign, at this time, the clinical significance of this variant is uncertain due to the absence of conclusive functional and genetic evidence.

CeGaT Center for Human Genetics Tuebingen
Classification: Likely benign. Last evaluated: 2025-12-01. Review status: criteria provided, single submitter. Criteria: CeGaT Center For Human Genetics Tuebingen Variant Classification Criteria Version 2. Collection method: clinical testing. Allele origin: germline. Affected: yes. Observed: 2 variant alleles.
Comment: TRRAP: BS1

Labcorp Genetics (formerly Invitae), Labcorp
Classification: Likely benign. Last evaluated: 2025-09-28. Review status: criteria provided, single submitter. Criteria: Invitae Variant Classification Sherloc (09022015). Collection method: clinical testing. Allele origin: germline.

Ambry Genetics
Classification: Likely benign for Inborn genetic diseases. Last evaluated: 2024-09-10. Review status: criteria provided, single submitter. Criteria: Ambry Variant Classification Scheme 2023. Collection method: clinical testing. Allele origin: germline.

NM_001375524.1(TRRAP):c.7525G>A (p.Val2509Met)

Gene: TRRAP (transformation/transcription domain associated protein; plus strand). Cytogenetic location: 7q22.1.
Variant type: single nucleotide variant.
Coding change: c.7525G>A on transcript NM_001375524.1 (MANE Select); coding-DNA position 7525, G replaced by A.
Protein change: p.Val2509Met; replaces valine 2509 with methionine.
Molecular consequence: missense variant.
Genome position (GRCh38, 1-based): chr7:98,970,124, G>A. VCF-style: chr7-98970124-G-A. GRCh37 (hg19) VCF-style: chr7-98567747-G-A.
Other names: c.7450G>A (NM_003496.3); c.7504G>A (NM_001244580.1); c.7504G>A, p.Val2502Met (NM_001244580.2); c.7450G>A, p.Val2484Met (NM_003496.4); short protein forms V2502M, V2509M, V2484M.
Identifiers: ClinVar variation 2198469 (VCV002198469.30), dbSNP rs150643572, ClinGen allele CA4361176.